The following is an entry in ClinVar:

NM_001845.6(COL4A1):c.2627-4dup

Gene: COL4A1 (collagen type IV alpha 1 chain; minus strand). Cytogenetic location: 13q34.
Variant type: Duplication.
Coding change: c.2627-4dup on transcript NM_001845.6 (MANE Select); 4 bases into the intron before coding-DNA position 2627, one base duplicated (A; older notation c.2627-4dupA).
Molecular consequence: intron variant.
Genome position (GRCh38, 1-based): chr13:110,177,935, T duplicated on the plus strand (A on the coding strand, the reverse complement: COL4A1 is on the minus strand). VCF-style (leftmost placement, unchanged base first): chr13-110177934-G-GT. GRCh37 (hg19) VCF-style: chr13-110830281-G-GT.
Identifiers: ClinVar variation 512887 (VCV000512887.4), dbSNP rs1555303159, ClinGen allele CA612866194.

ClinVar aggregate classification (germline): Likely benign. Review status: criteria provided, multiple submitters, no conflicts (2 of 4 stars). 2 submissions from 2 submitters: Likely benign (2). Last evaluated 2023-02-17.

Allele frequency attached by ClinVar (database versions not stated): gnomAD exomes below 0.00001.

Submissions (2):

Labcorp Genetics (formerly Invitae), Labcorp
Classification: Likely benign. Last evaluated: 2023-02-17. Review status: criteria provided, single submitter. Criteria: Invitae Variant Classification Sherloc (09022015). Collection method: clinical testing. Allele origin: germline.

GeneDx
Classification: Likely benign. Last evaluated: 2017-11-01. Review status: criteria provided, single submitter. Criteria: GeneDx Variant Classification (06012015). Collection method: clinical testing. Allele origin: germline. Affected: yes.
Comment: This variant is considered likely benign or benign based on one or more of the following criteria: it is a conservative change, it occurs at a poorly conserved position in the protein, it is predicted to be benign by multiple in silico algorithms, and/or has population frequency not consistent with disease.